The following is an entry in ClinVar:

NM_004385.5(VCAN):c.7715C>T (p.Ser2572Leu)

Genes: VCAN (versican; plus strand), VCAN-AS1 (VCAN antisense RNA 1; minus strand). Cytogenetic location: 5q14.3.
Variant type: single nucleotide variant.
Coding change: c.7715C>T on transcript NM_004385.5 (MANE Select); coding-DNA position 7715, C replaced by T.
Protein change: p.Ser2572Leu; replaces serine 2572 with leucine.
Molecular consequence: missense variant. On other transcripts: intron variant (2).
Genome position (GRCh38, 1-based): chr5:83,540,718, C>T. VCF-style: chr5-83540718-C-T. GRCh37 (hg19) VCF-style: chr5-82836537-C-T.
Other names: c.4754C>T, p.Ser1585Leu (NM_001164097.2); c.4004-4819C>T (NM_001164098.2); c.1043-4819C>T (NM_001126336.3); short protein forms S2572L, S1585L.
Identifiers: ClinVar variation 354447 (VCV000354447.44), dbSNP rs149032014, ClinGen allele CA3333684.

ClinVar aggregate classification (germline): Benign/Likely benign. Review status: criteria provided, multiple submitters, no conflicts (2 of 4 stars). 7 submissions from 7 submitters: Benign (2); Likely benign (4). 1 of the submissions does not count toward it. Last evaluated 2025-10-01.

Conditions:
Vitreoretinopathy. Also called: Vitreoretinal degeneration. Identifiers: MedGen C0344290, MONDO:0020248, HP:0007773.
VCAN-related disorder. Also called: VCAN-related condition.

Allele frequency attached by ClinVar (database versions not stated): 1000 Genomes Project 30x 0.00016; gnomAD 0.00019 and 0.00026; 1000 Genomes Project 0.00020; gnomAD exomes 0.00030 and 0.00046; ESP Exome Variant Server 0.00031; TOPMed 0.00031; ExAC 0.00053.
gnomAD v4.1: 479 of 1,613,822 alleles (0.03%); highest among the groups gnomAD compares: South Asian, 0.19%; 2 homozygotes.

Submissions (7):

Labcorp Genetics (formerly Invitae), Labcorp
Classification: Benign. Last evaluated: 2025-10-01. Review status: criteria provided, single submitter. Criteria: Invitae Variant Classification Sherloc (09022015). Collection method: clinical testing. Allele origin: germline.

Genomic Medicine Center of Excellence, King Faisal Specialist Hospital and Research Centre
Classification: Likely benign. Last evaluated: 2025-08-18. Review status: criteria provided, single submitter. Criteria: ACMG Guidelines, 2015. Collection method: clinical testing. Allele origin: germline.

Blueprint Genetics
Classification: Likely benign. Last evaluated: 2024-09-25. Review status: criteria provided, single submitter. Criteria: ACMG Guidelines, 2015. Collection method: clinical testing. Allele origin: germline.

CeGaT Center for Human Genetics Tuebingen
Classification: Likely benign. Last evaluated: 2023-10-01. Review status: criteria provided, single submitter. Criteria: CeGaT Center For Human Genetics Tuebingen Variant Classification Criteria Version 2. Collection method: clinical testing. Allele origin: germline. Affected: yes. Observed: 1 variant allele.
Comment: VCAN: BP4, BS1

Illumina Laboratory Services, Illumina
Classification: Benign for Vitreoretinopathy. Last evaluated: 2018-01-13. Review status: criteria provided, single submitter. Criteria: ICSL Variant Classification Criteria 13 December 2019. Collection method: clinical testing. Allele origin: germline.
Comment: This variant was observed in the ICSL laboratory as part of a predisposition screen in an ostensibly healthy population. It had not been previously curated by ICSL or reported in the Human Gene Mutation Database (HGMD: prior to June 1st, 2018), and was therefore a candidate for classification through an automated scoring system. Utilizing variant allele frequency, disease prevalence and penetrance estimates, and inheritance mode, an automated score was calculated to assess if this variant is too frequent to cause the disease. Based on the score and internal cut-off values, a variant classified as benign is not then subjected to further curation. The score for this variant resulted in a classification of benign for this disease.

Breakthrough Genomics
Classification: Likely benign. Review status: criteria provided, single submitter. Criteria: ACMG Guidelines, 2015. Collection method: not provided. Allele origin: germline. Inheritance: Autosomal dominant inheritance. Affected: yes.

PreventionGenetics, part of Exact Sciences
Classification: Likely benign for VCAN-related condition. Last evaluated: 2019-05-24. Review status: no assertion criteria provided. Collection method: clinical testing. Allele origin: germline. Not counted in ClinVar's aggregate classification.
Comment: This variant is classified as likely benign based on ACMG/AMP sequence variant interpretation guidelines (Richards et al. 2015 PMID: 25741868, with internal and published modifications).